The following is an entry in ClinVar:

ClinVar aggregate classification (germline): Uncertain significance (1 of 4 stars; one submission).

Conditions:
Immunoglobulin-mediated membranoproliferative glomerulonephritis. Also called: NEPHROTIC SYNDROME, TYPE 7, WITH MEMBRANOPROLIFERATIVE GLOMERULONEPHRITIS; Nephrotic syndrome, type 7. Identifiers: Orphanet 329903, MedGen C3554330, MONDO:0014005, OMIM 615008.
Mesangiocapillary glomerulonephritis. Also called: Membranoproliferative glomerulonephritis. Identifiers: MedGen C0017662, MONDO:0002461, HP:0000793.

Submission:

Genomenon, Inc
Classification: Uncertain significance for Primary membranoproliferative glomerulonephritis. Last evaluated: 2025-09-26. Review status: criteria provided, single submitter. Criteria: Genomenon Sequence Variant Interpretation Standards - Updated. Collection method: curation. Allele origin: germline. Affected: no.
Comment: DGKE p.Asp165Gly (c.494A>G) is a missense variant that changes the amino acid at residue 165 from Aspartic acid to Glycine. This variant has been reported in the published literature (PMID:28771251). It is absent or not present at a significant frequency in gnomAD. In silico models agree that this variant is possibly or probably damaging. In conclusion, we classify DGKE p.Asp165Gly (c.494A>G) as a variant of uncertain significance.

Literature cited by the submitters: PubMed 28771251.

NM_003647.3(DGKE):c.494A>G (p.Asp165Gly)

Gene: DGKE (diacylglycerol kinase epsilon; plus strand). Cytogenetic location: 17q22.
Variant type: single nucleotide variant.
Coding change: c.494A>G on transcript NM_003647.3 (MANE Select); coding-DNA position 494, A replaced by G.
Protein change: p.Asp165Gly; replaces aspartic acid 165 with glycine.
Molecular consequence: missense variant.
Genome position (GRCh38, 1-based): chr17:56,844,048, A>G. VCF-style: chr17-56844048-A-G. GRCh37 (hg19) VCF-style: chr17-54921409-A-G.
Other names: short protein forms D165G.
Identifiers: ClinVar variation 4280359 (VCV004280359.1).